The following is an entry in ClinVar:

ClinVar aggregate classification (germline): Benign/Likely benign. Review status: criteria provided, multiple submitters, no conflicts (2 of 4 stars). 2 submissions from 2 submitters: Benign (1); Likely benign (1). Last evaluated 2025-12-22.

Conditions:
Lynch syndrome 5 (LYNCH5). Also called: Colorectal cancer, hereditary nonpolyposis, type 5; Hereditary non-polyposis colorectal cancer, type 5. Identifiers: Orphanet 144, MedGen C1833477, MONDO:0013710, OMIM 614350. Disease mechanism: loss of function.
Hereditary cancer-predisposing syndrome. Also called: Neoplastic Syndromes, Hereditary; Tumor predisposition; Hereditary neoplastic syndrome; Hereditary Cancer Syndrome. Identifiers: Orphanet 140162, MedGen C0027672, MeSH D009386, MONDO:0015356.

gnomAD v4.1: 1 of 1,614,050 alleles (0.000062%); highest among the groups gnomAD compares: Admixed American, 0.0017%; no homozygotes.

Submissions (2):

Ambry Genetics
Classification: Likely benign for Hereditary cancer-predisposing syndrome. Last evaluated: 2025-12-22. Review status: criteria provided, single submitter. Criteria: Ambry Variant Classification Scheme 2023. Collection method: clinical testing. Allele origin: germline.

Myriad Genetics, Inc.
Classification: Benign for Lynch syndrome 5. Last evaluated: 2025-01-08. Review status: criteria provided, single submitter. Criteria: Myriad Autosomal Dominant, Autosomal Recessive and X-Linked Classification Criteria (2023). Collection method: clinical testing. Allele origin: unknown.
Comment: This variant is considered benign. This variant is a silent/synonymous amino acid change and it is not expected to impact splicing.

NM_000179.3(MSH6):c.3786G>C (p.Val1262=)

Gene: MSH6 (mutS homolog 6; plus strand). Cytogenetic location: 2p16.3.
Variant type: single nucleotide variant.
Coding change: c.3786G>C on transcript NM_000179.3 (MANE Select); coding-DNA position 3786, G replaced by C.
Protein change: p.Val1262=; no amino-acid change (valine 1262 retained).
Molecular consequence: synonymous variant. On other transcripts: non-coding transcript variant (5).
Genome position (GRCh38, 1-based): chr2:47,806,343, G>C. VCF-style: chr2-47806343-G-C. GRCh37 (hg19) VCF-style: chr2-48033482-G-C.
Other names: c.3396G>C, p.Val1132= (NM_001281492.2); c.2880G>C, p.Val960= (NM_001281493.2, NM_001281494.2, NM_001406811.1 and 6 more transcripts); c.3882G>C, p.Val1294= (NM_001406795.1, NM_001406802.1); c.3786G>C, p.Val1262= (NM_001406796.1, NM_001406800.1, NM_001406808.1 and 1 more transcripts); c.3489G>C, p.Val1163= (NM_001406797.1, NM_001406801.1, NM_001406805.1 and 10 more transcripts); c.3612G>C, p.Val1204= (NM_001406798.1); c.3261G>C, p.Val1087= (NM_001406799.1, NM_001406806.1, NM_001406807.1); c.2922G>C, p.Val974= (NM_001406803.1); and 7 more.
Identifiers: ClinVar variation 3903538 (VCV003903538.2).